The following is an entry in ClinVar:

ClinVar aggregate classification (germline): Likely pathogenic (1 of 4 stars; one submission).

Conditions:
PDX1-related disorder. Also called: PDX1-related disorders; PDX1-related condition.

Submission:

Women's Health and Genetics/Laboratory Corporation of America, LabCorp
Classification: Likely pathogenic for PDX1-Related Disorders. Last evaluated: 2023-05-23. Review status: criteria provided, single submitter. Criteria: LabCorp Variant Classification Summary - May 2015. Collection method: clinical testing. Allele origin: germline.
Comment: Variant summary: PDX1 c.488A>G (p.Lys163Arg) results in a conservative amino acid change located in the Homeobox domain (IPR001356) of the encoded protein sequence. Four of five in-silico tools predict a damaging effect of the variant on protein function. The variant was absent in 251120 control chromosomes (gnomAD). c.488A>G has been reported in the literature in a homozygous patient affected with neonatal onset diabetes mellitus and pancreatic agenesis, where both parents were heterozygotes, and one of them was diagnosed with early-onset diabetes mellitus (Kulkarni_2017, DeFranco_2019, Yoshiji_2021). These data indicate that the variant may be associated with disease. To our knowledge, no experimental evidence demonstrating an impact on protein function has been reported. However, several neighboring missense variants were reported in affected individuals (HGMD), indicating a clinical importance for the affected protein region. No clinical diagnostic laboratories have submitted clinical-significance assessments for this variant to ClinVar after 2014. Based on the evidence outlined above, the variant was classified as likely pathogenic.

Literature cited by the submitters: PubMed 31006513; PubMed 29317564; PubMed 34988346.

NM_000209.4(PDX1):c.488A>G (p.Lys163Arg)

Gene: PDX1 (pancreatic and duodenal homeobox 1; plus strand). Cytogenetic location: 13q12.2.
Variant type: single nucleotide variant.
Coding change: c.488A>G on transcript NM_000209.4 (MANE Select); coding-DNA position 488, A replaced by G.
Protein change: p.Lys163Arg; replaces lysine 163 with arginine.
Molecular consequence: missense variant.
Genome position (GRCh38, 1-based): chr13:27,924,337, A>G. VCF-style: chr13-27924337-A-G. GRCh37 (hg19) VCF-style: chr13-28498474-A-G.
Other names: short protein forms K163R.
Identifiers: ClinVar variation 2506152 (VCV002506152.1), dbSNP rs2500206217, ClinGen allele CA387645421.